The following is an entry in ClinVar:

ClinVar aggregate classification (germline): Uncertain significance (1 of 4 stars; one submission).

Conditions:
Inborn genetic diseases. Identifiers: MedGen C0950123, MeSH D030342.

gnomAD v4.1: 1 of 1,613,696 alleles (0.000062%); no homozygotes.

Submission:

Ambry Genetics
Classification: Uncertain significance for Inborn genetic diseases. Last evaluated: 2025-08-03. Review status: criteria provided, single submitter. Criteria: Ambry Variant Classification Scheme 2023. Collection method: clinical testing. Allele origin: germline.
Comment: The p.T329S variant (also known as c.986C>G), located in coding exon 11 of the FANCA gene, results from a C to G substitution at nucleotide position 986. The threonine at codon 329 is replaced by serine, an amino acid with similar properties. This amino acid position is conserved. In addition, this alteration is predicted to be tolerated by in silico analysis. Based on the available evidence, the clinical significance of this variant remains unclear.

NM_000135.4(FANCA):c.986C>G (p.Thr329Ser)

Gene: FANCA (FA complementation group A; minus strand). Cytogenetic location: 16q24.3.
Variant type: single nucleotide variant.
Coding change: c.986C>G on transcript NM_000135.4 (MANE Select); coding-DNA position 986, C replaced by G.
Protein change: p.Thr329Ser; replaces threonine 329 with serine.
Molecular consequence: missense variant.
Genome position (GRCh38, 1-based): chr16:89,795,926, G>C on the plus strand (C>G on the coding strand, the complement: FANCA is on the minus strand). VCF-style: chr16-89795926-G-C. GRCh37 (hg19) VCF-style: chr16-89862334-G-C.
Other names: c.986C>G, p.Thr329Ser (NM_001286167.3); short protein forms T329S.
Identifiers: ClinVar variation 4254255 (VCV004254255.1).